The following is an entry in ClinVar:

NM_000102.4(CYP17A1):c.287G>A (p.Arg96Gln)

Gene: CYP17A1 (cytochrome P450 family 17 subfamily A member 1; minus strand). Cytogenetic location: 10q24.32.
Variant type: single nucleotide variant.
Coding change: c.287G>A on transcript NM_000102.4 (MANE Select); coding-DNA position 287, G replaced by A.
Protein change: p.Arg96Gln; replaces arginine 96 with glutamine.
Molecular consequence: missense variant.
Genome position (GRCh38, 1-based): chr10:102,837,075, C>T on the plus strand (G>A on the coding strand, the complement: CYP17A1 is on the minus strand). VCF-style: chr10-102837075-C-T. GRCh37 (hg19) VCF-style: chr10-104596832-C-T.
Other names: short protein forms R96Q.
Identifiers: ClinVar variation 1802 (VCV000001802.17), dbSNP rs104894153, ClinGen allele CA115200.

ClinVar aggregate classification (germline): Pathogenic. Review status: criteria provided, multiple submitters, no conflicts (2 of 4 stars). 6 submissions from 6 submitters: Pathogenic (5). 1 of the submissions does not count toward it. Last evaluated 2024-10-16.

Conditions:
Congenital adrenal hyperplasia. Identifiers: Orphanet 418, MedGen C0001627, MONDO:0018479, HP:0008258.
Deficiency of steroid 17-alpha-monooxygenase. Also called: Congenital adrenal hyperplasia due to 17-alpha-hydroxylase deficiency; Congenital adrenal hyperplasia type 5; 17-ALPHA-HYDROXYLASE DEFICIENCY; 17-alpha-hydroxylase/17,20-lyase deficiency; ADRENAL HYPERPLASIA V. Identifiers: Orphanet 90793, MedGen C0268285, MONDO:0008730, OMIM 202110.
17-alpha-hydroxylase/17,20-lyase deficiency, combined complete. Identifiers: MedGen CN042980, MONDO:0800379.

Allele frequency attached by ClinVar (database versions not stated): ExAC 0.00002; gnomAD 0.00001; gnomAD exomes 0.00001; TOPMed 0.00003.
gnomAD v4.1: 15 of 1,597,242 alleles (0.00094%); highest among the groups gnomAD compares: African/African-American, 0.004%; no homozygotes.

Submissions (6):

Natera, Inc.
Classification: Pathogenic for Deficiency of steroid 17-alpha-monooxygenase. Last evaluated: 2024-10-16. Review status: criteria provided, single submitter. Criteria: Natera Variant Classification Schema (03/2026). Collection method: clinical testing. Allele origin: germline.
Comment: The c.287G>A variant in CYP17A1 is a missense variant predicted to cause substitution of arginine to glutamine at amino acid 96. This variant is rare in the general population with a frequency below the threshold expected for the associated phenotype(s). This variant has been observed in one or more individuals affected with the associated recessive disease, as either homozygous or compound heterozygous with a second variant (PMID: 36589849, 36339422, 24498484). A different variant at the same position has been determined to be Pathogenic or Likely Pathogenic. Computational prediction algorithms indicate this variant is likely to affect gene or protein function. Given the available evidence, this variant is classified as Pathogenic.

Dubai Health Genomic Medicine Center, Dubai Health
Classification: Pathogenic for 17-alpha-hydroxylase deficiency. Last evaluated: 2024-10-04. Review status: criteria provided, single submitter. Criteria: ACMG Guidelines, 2015. Collection method: research. Allele origin: germline. Affected: yes.
Comment: PS3, PM1,PM2,PP1,PM5

Labcorp Genetics (formerly Invitae), Labcorp
Classification: Pathogenic. Last evaluated: 2024-01-13. Review status: criteria provided, single submitter. Criteria: Invitae Variant Classification Sherloc (09022015). Collection method: clinical testing. Allele origin: germline.
Comment: This sequence change replaces arginine, which is basic and polar, with glutamine, which is neutral and polar, at codon 96 of the CYP17A1 protein (p.Arg96Gln). This variant is present in population databases (rs104894153, gnomAD 0.004%). This missense change has been observed in individuals with autosomal recessive congenital adrenal hyperplasia (PMID: 16569739, 21846181, 23291414, 23466679, 26543560, 28008861). ClinVar contains an entry for this variant (Variation ID: 1802). Advanced modeling of protein sequence and biophysical properties (such as structural, functional, and spatial information, amino acid conservation, physicochemical variation, residue mobility, and thermodynamic stability) performed at Invitae indicates that this missense variant is expected to disrupt CYP17A1 protein function with a positive predictive value of 95%. This variant disrupts the p.Arg96 amino acid residue in CYP17A1. Other variant(s) that disrupt this residue have been observed in individuals with CYP17A1-related conditions (PMID: 8550762, 21340163), which suggests that this may be a clinically significant amino acid residue. For these reasons, this variant has been classified as Pathogenic.

Clinical Biochemistry Laboratory, Health Services Laboratory
Classification: Pathogenic for Deficiency of steroid 17-alpha-monooxygenase. Last evaluated: 2023-11-20. Review status: criteria provided, single submitter. Criteria: ACMG Guidelines, 2015. Collection method: clinical testing. Allele origin: germline. Affected: yes.
Comment: ACMG:PS5 PM1 PM2 PP3 PP4 PP5

Women's Health and Genetics/Laboratory Corporation of America, LabCorp
Classification: Pathogenic for Congenital adrenal hyperplasia. Last evaluated: 2022-09-01. Review status: criteria provided, single submitter. Criteria: LabCorp Variant Classification Summary - May 2015. Collection method: clinical testing. Allele origin: germline.
Comment: Variant summary: CYP17A1 c.287G>A (p.Arg96Gln) results in a conservative amino acid change in the encoded protein sequence. Four of five in-silico tools predict a damaging effect of the variant on protein function. The variant allele was found at a frequency of 8e-06 in 251342 control chromosomes. c.287G>A has been reported in the literature as homozygous or compound heterozygous genotypes in multiple individuals affected with features of combined 17-alpha hydroxylase/17,20-Lyase deficiency, a rare cause of autosomal recessive Congenital Adrenal Hyperplasia (example, Brooke_2006, Tian_2012, Athanasoulia_2013, Mula-Abed_2014, Deeb_2015, Camtosun_2017). These data indicate that the variant is very likely to be associated with disease. At least one publication reports experimental evidence evaluating an impact on protein function demonstrating a complete inability to convert pregnenolone to 17-alpha hydroxypregenolone and DHEA, although the results as reported are not quantified as residual activity (example, Brooks_2006). One clinical diagnostic laboratory has submitted clinical-significance assessments for this variant to ClinVar after 2014 without evidence for independent evaluation and classified the variant as likely pathogenic. Based on the evidence outlined above, the variant was classified as pathogenic.

OMIM
Classification: Pathogenic for 17-ALPHA-HYDROXYLASE/17,20-LYASE DEFICIENCY, COMBINED COMPLETE. Last evaluated: 2006-06-01. Review status: no assertion criteria provided. Collection method: literature only. Allele origin: germline. Not counted in ClinVar's aggregate classification.

Literature cited by the submitters: PubMed 36589849 (cited by Natera, Inc.); PubMed 36339422 (cited by Natera, Inc.); PubMed 24498484 (cited by Natera, Inc. and Women's Health and Genetics/Laboratory Corporation of America, LabCorp); PubMed 16569739 (cited by 3 submitters); PubMed 21846181 (cited by Labcorp Genetics (formerly Invitae), Labcorp and Women's Health and Genetics/Laboratory Corporation of America, LabCorp); PubMed 23291414 (cited by Labcorp Genetics (formerly Invitae), Labcorp); PubMed 23466679 (cited by Labcorp Genetics (formerly Invitae), Labcorp and Women's Health and Genetics/Laboratory Corporation of America, LabCorp); PubMed 26543560 (cited by Labcorp Genetics (formerly Invitae), Labcorp and Women's Health and Genetics/Laboratory Corporation of America, LabCorp); PubMed 28008861 (cited by Labcorp Genetics (formerly Invitae), Labcorp and Women's Health and Genetics/Laboratory Corporation of America, LabCorp); PubMed 8550762 (cited by Labcorp Genetics (formerly Invitae), Labcorp); PubMed 21340163 (cited by Labcorp Genetics (formerly Invitae), Labcorp).